The following is an entry in ClinVar:

ClinVar aggregate classification (germline): Uncertain significance (1 of 4 stars; one submission).

Conditions:
Cardiovascular phenotype. Identifiers: MedGen CN230736.
Hereditary cancer-predisposing syndrome. Also called: Tumor predisposition; Neoplastic Syndromes, Hereditary; Hereditary Cancer Syndrome; Hereditary neoplastic syndrome. Identifiers: Orphanet 140162, MedGen C0027672, MeSH D009386, MONDO:0015356.

Submission:

Ambry Genetics
Classification: Uncertain significance for Cardiovascular phenotype; Hereditary cancer-predisposing syndrome. Last evaluated: 2025-03-06. Review status: criteria provided, single submitter. Criteria: Ambry Variant Classification Scheme 2023. Collection method: clinical testing. Allele origin: germline.
Comment: The p.N773K variant (also known as c.2319C>G), located in coding exon 19 of the NF1 gene, results from a C to G substitution at nucleotide position 2319. The asparagine at codon 773 is replaced by lysine, an amino acid with similar properties. This amino acid position is conserved. In addition, this alteration is predicted to be tolerated by in silico analysis. Based on the available evidence, the clinical significance of this variant remains unclear.

NM_001042492.3(NF1):c.2319C>G (p.Asn773Lys)

Gene: NF1 (neurofibromin 1; plus strand). Cytogenetic location: 17q11.2.
Variant type: single nucleotide variant.
Coding change: c.2319C>G on transcript NM_001042492.3 (MANE Select); coding-DNA position 2319, C replaced by G.
Protein change: p.Asn773Lys; replaces asparagine 773 with lysine.
Molecular consequence: missense variant.
Genome position (GRCh38, 1-based): chr17:31,227,285, C>G. VCF-style: chr17-31227285-C-G. GRCh37 (hg19) VCF-style: chr17-29554303-C-G.
Other names: c.2319C>G, p.Asn773Lys (NM_000267.4); short protein forms N773K.
Identifiers: ClinVar variation 3879151 (VCV003879151.1).